The following is an entry in ClinVar:

ClinVar aggregate classification (germline): Likely benign (1 of 4 stars; one submission).

Allele frequency attached by ClinVar (database versions not stated): TOPMed 0.00001; ExAC 0.00002; gnomAD 0.00002.

Submission:

CeGaT Center for Human Genetics Tuebingen
Classification: Likely benign. Last evaluated: 2022-04-01. Review status: criteria provided, single submitter. Criteria: CeGaT Center For Human Genetics Tuebingen Variant Classification Criteria Version 2. Collection method: clinical testing. Allele origin: germline. Affected: yes. Observed: 1 variant allele.
Comment: SON: BP1, BP4

NM_138927.4(SON):c.4439C>T (p.Ser1480Leu)

Gene: SON (SON DNA and RNA binding protein; plus strand). Cytogenetic location: 21q22.11.
Variant type: single nucleotide variant.
Coding change: c.4439C>T on transcript NM_138927.4 (MANE Select); coding-DNA position 4439, C replaced by T.
Protein change: p.Ser1480Leu; replaces serine 1480 with leucine.
Molecular consequence: missense variant. On other transcripts: non-coding transcript variant (1), intron variant (1).
Genome position (GRCh38, 1-based): chr21:33,553,670, C>T. VCF-style: chr21-33553670-C-T. GRCh37 (hg19) VCF-style: chr21-34925976-C-T.
Other names: c.4439C>T, p.Ser1480Leu (NM_001291411.2, NM_001412133.1, NM_032195.3 and 2 more transcripts); c.245-3486C>T (NM_001291412.3); short protein forms S1480L.
Identifiers: ClinVar variation 2652617 (VCV002652617.24), dbSNP rs775746878, ClinGen allele CA10009522.